The following is an entry in ClinVar:

ClinVar aggregate classification (germline): Uncertain significance (1 of 4 stars; one submission).

Allele frequency attached by ClinVar (database versions not stated): gnomAD 0.00001; TOPMed below 0.00001.
gnomAD v4.1: 35 of 1,613,162 alleles (0.0022%); highest among the groups gnomAD compares: Non-Finnish European, 0.0028%; no homozygotes.

Submissions (2):

Labcorp Genetics (formerly Invitae), Labcorp
Classification: Uncertain significance. Last evaluated: 2025-12-26. Review status: criteria provided, single submitter. Criteria: Invitae Variant Classification Sherloc (09022015). Collection method: clinical testing. Allele origin: germline.
Comment: This sequence change affects codon 115 of the COL9A3 mRNA. It is a 'silent' change, meaning that it does not change the encoded amino acid sequence of the COL9A3 protein. This variant also falls at the last nucleotide of exon 6, which is part of the consensus splice site for this exon. This variant is present in population databases (no rsID available, gnomAD 0.006%). This variant has not been reported in the literature in individuals affected with COL9A3-related conditions. ClinVar contains an entry for this variant (Variation ID: 2058832). Variants that disrupt the consensus splice site are a relatively common cause of aberrant splicing (PMID: 17576681, 9536098). Algorithms developed to predict the effect of sequence changes on RNA splicing suggest that this variant is not likely to affect RNA splicing. In summary, the available evidence is currently insufficient to determine the role of this variant in disease. Therefore, it has been classified as a Variant of Uncertain Significance.

Dr. Peter K. Rogan Lab, Western University
No classification provided (evidence only). Condition: Melanoma. Review status: no classification provided. Collection method: in vitro. Allele origin: not applicable. Functional consequence: skipped exon. Not counted in ClinVar's aggregate classification.

Literature cited by the submitters: PubMed 17576681 (cited by Labcorp Genetics (formerly Invitae), Labcorp); PubMed 9536098 (cited by Labcorp Genetics (formerly Invitae), Labcorp).

NM_001853.4(COL9A3):c.345G>A (p.Gly115=)

Gene: COL9A3 (collagen type IX alpha 3 chain; plus strand). Cytogenetic location: 20q13.33.
Variant type: single nucleotide variant.
Coding change: c.345G>A on transcript NM_001853.4 (MANE Select); coding-DNA position 345, G replaced by A.
Protein change: p.Gly115=; no amino-acid change (glycine 115 retained).
Molecular consequence: synonymous variant.
Genome position (GRCh38, 1-based): chr20:62,821,216, G>A. VCF-style: chr20-62821216-G-A. GRCh37 (hg19) VCF-style: chr20-61452568-G-A.
Identifiers: ClinVar variation 2058832 (VCV002058832.5), dbSNP rs1385900961, ClinGen allele CA511165384.